The following is an entry in ClinVar:

ClinVar aggregate classification (germline): Uncertain significance (1 of 4 stars; one submission).

Conditions:
Inborn genetic diseases. Identifiers: MedGen C0950123, MeSH D030342.

Allele frequency attached by ClinVar (database versions not stated): gnomAD exomes below 0.00001.
gnomAD v4.1: 2 of 1,614,184 alleles (0.00012%); highest among the groups gnomAD compares: Non-Finnish European, 0.00017%; no homozygotes.

Submission:

Ambry Genetics
Classification: Uncertain significance for Inborn genetic diseases. Last evaluated: 2023-10-22. Review status: criteria provided, single submitter. Criteria: Ambry Variant Classification Scheme 2023. Collection method: clinical testing. Allele origin: germline.
Comment: The p.E169D variant (also known as c.507G>C), located in coding exon 5 of the AKT1 gene, results from a G to C substitution at nucleotide position 507. The glutamic acid at codon 169 is replaced by aspartic acid, an amino acid with highly similar properties. This amino acid position is conserved. In addition, this alteration is predicted to be tolerated by in silico analysis. Since supporting evidence is limited at this time, the clinical significance of this alteration remains unclear.

NM_001382430.1(AKT1):c.507G>C (p.Glu169Asp)

Gene: AKT1 (AKT serine/threonine kinase 1; minus strand). Cytogenetic location: 14q32.33.
Variant type: single nucleotide variant.
Coding change: c.507G>C on transcript NM_001382430.1 (MANE Select); coding-DNA position 507, G replaced by C.
Protein change: p.Glu169Asp; replaces glutamic acid 169 with aspartic acid.
Molecular consequence: missense variant.
Genome position (GRCh38, 1-based): chr14:104,775,136, C>G on the plus strand (G>C on the coding strand, the complement: AKT1 is on the minus strand). VCF-style: chr14-104775136-C-G. GRCh37 (hg19) VCF-style: chr14-105241473-C-G.
Other names: c.507G>C, p.Glu169Asp (NM_001014431.2, NM_001014432.2, NM_001382431.1 and 3 more transcripts); short protein forms E169D.
Identifiers: ClinVar variation 3224627 (VCV003224627.1), dbSNP rs2140917214, ClinGen allele CA391219479.